The following is an entry in ClinVar:

NM_004995.4(MMP14):c.189_191del (p.Ala64del)

Gene: MMP14 (matrix metallopeptidase 14; plus strand). Cytogenetic location: 14q11.2.
Variant type: Deletion.
Coding change: c.189_191del on transcript NM_004995.4 (MANE Select); coding-DNA positions 189 to 191, 3 bases deleted (GGC; older notation c.189_191delGGC).
Protein change: p.Ala64del; deletes alanine 64.
Molecular consequence: inframe deletion.
Genome position (GRCh38, 1-based): chr14:22,841,571-22,841,573, GGC deleted; deleting any 3 consecutive bases within chr14:22,841,569-22,841,573 gives the same sequence; the c. name uses the placement nearest the transcript's 3' end. VCF-style (leftmost placement, unchanged base first): chr14-22841568-AGCG-A. GRCh37 (hg19) VCF-style: chr14-23310777-AGCG-A.
Other names: short protein forms A64del.
Identifiers: ClinVar variation 1477292 (VCV001477292.6), dbSNP rs771845325, ClinGen allele CA7105101.

ClinVar aggregate classification (germline): Uncertain significance (1 of 4 stars; one submission).

Submission:

Labcorp Genetics (formerly Invitae), Labcorp
Classification: Uncertain significance. Last evaluated: 2022-10-24. Review status: criteria provided, single submitter. Criteria: Invitae Variant Classification Sherloc (09022015). Collection method: clinical testing. Allele origin: germline.
Comment: This variant, c.189_191del, results in the deletion of 1 amino acid(s) of the MMP14 protein (p.Ala64del), but otherwise preserves the integrity of the reading frame. This variant is present in population databases (rs771845325, gnomAD 0.0009%). This variant has not been reported in the literature in individuals affected with MMP14-related conditions. ClinVar contains an entry for this variant (Variation ID: 1477292). Experimental studies and prediction algorithms are not available or were not evaluated, and the functional significance of this variant is currently unknown. In summary, the available evidence is currently insufficient to determine the role of this variant in disease. Therefore, it has been classified as a Variant of Uncertain Significance.